The following is an entry in ClinVar:

ClinVar aggregate classification (germline): Uncertain significance (1 of 4 stars; one submission).

Conditions:
IFT172-related disorder. Also called: IFT172-related condition; IFT172-related disorders.

gnomAD v4.1: 2 of 1,613,564 alleles (0.00012%); highest among the groups gnomAD compares: Admixed American, 0.0033%; no homozygotes.

Submission:

PreventionGenetics, part of Exact Sciences
Classification: Uncertain significance for IFT172-related condition. Last evaluated: 2026-02-27. Review status: criteria provided, single submitter. Criteria: ACMG Guidelines, 2015. Collection method: clinical testing. Allele origin: germline.
Comment: The IFT172 c.668G>C variant is predicted to result in the amino acid substitution p.Gly223Ala. To our knowledge, this variant has not been reported in the literature. This variant is reported in 0.0029% of alleles in individuals of Latino descent in gnomAD. At this time, the clinical significance of this variant is uncertain due to the absence of conclusive functional and genetic evidence.

NM_015662.3(IFT172):c.668G>C (p.Gly223Ala)

Gene: IFT172 (intraflagellar transport 172; minus strand). Cytogenetic location: 2p23.3.
Variant type: single nucleotide variant.
Coding change: c.668G>C on transcript NM_015662.3 (MANE Select); coding-DNA position 668, G replaced by C.
Protein change: p.Gly223Ala; replaces glycine 223 with alanine.
Molecular consequence: missense variant.
Genome position (GRCh38, 1-based): chr2:27,481,163, C>G on the plus strand (G>C on the coding strand, the complement: IFT172 is on the minus strand). VCF-style: chr2-27481163-C-G. GRCh37 (hg19) VCF-style: chr2-27704030-C-G.
Other names: c.668G>C, p.Gly223Ala (NM_001410739.1); short protein forms G223A.
Identifiers: ClinVar variation 4987249 (VCV004987249.1).